The following is an entry in ClinVar:

NM_001447.3(FAT2):c.9446T>C (p.Val3149Ala)

Genes: FAT2 (FAT atypical cadherin 2; minus strand), SLC36A1 (solute carrier family 36 member 1; plus strand). Cytogenetic location: 5q33.1.
Variant type: single nucleotide variant.
Coding change: c.9446T>C on transcript NM_001447.3 (MANE Select); coding-DNA position 9446, T replaced by C.
Protein change: p.Val3149Ala; replaces valine 3149 with alanine.
Molecular consequence: missense variant.
Genome position (GRCh38, 1-based): chr5:151,531,952, A>G on the plus strand (T>C on the coding strand, the complement: FAT2 is on the minus strand). VCF-style: chr5-151531952-A-G. GRCh37 (hg19) VCF-style: chr5-150911513-A-G.
Other names: short protein forms V3149A.
Identifiers: ClinVar variation 3250740 (VCV003250740.19), dbSNP rs772694360.

ClinVar aggregate classification (germline): Conflicting classifications of pathogenicity. Review status: criteria provided, conflicting classifications (1 of 4 stars). 2 submissions from 2 submitters: Uncertain significance (1); Likely benign (1). Last evaluated 2025-03-29.

Allele frequency attached by ClinVar (database versions not stated): gnomAD 0.00001; gnomAD exomes 0.00001; TOPMed 0.00002; ExAC 0.00003.
gnomAD v4.1: 15 of 1,614,044 alleles (0.00093%); highest among the groups gnomAD compares: Non-Finnish European, 0.0013%; no homozygotes.

Submissions (2):

Labcorp Genetics (formerly Invitae), Labcorp
Classification: Uncertain significance. Last evaluated: 2025-03-29. Review status: criteria provided, single submitter. Criteria: Invitae Variant Classification Sherloc (09022015). Collection method: clinical testing. Allele origin: germline.
Comment: This sequence change replaces valine, which is neutral and non-polar, with alanine, which is neutral and non-polar, at codon 3149 of the FAT2 protein (p.Val3149Ala). This variant is present in population databases (rs772694360, gnomAD 0.004%). This variant has not been reported in the literature in individuals affected with FAT2-related conditions. ClinVar contains an entry for this variant (Variation ID: 3250740). An algorithm developed to predict the effect of missense changes on protein structure and function (PolyPhen-2) suggests that this variant is likely to be tolerated. In summary, the available evidence is currently insufficient to determine the role of this variant in disease. Therefore, it has been classified as a Variant of Uncertain Significance.

CeGaT Center for Human Genetics Tuebingen
Classification: Likely benign. Last evaluated: 2024-06-01. Review status: criteria provided, single submitter. Criteria: CeGaT Center For Human Genetics Tuebingen Variant Classification Criteria Version 2. Collection method: clinical testing. Allele origin: germline. Affected: yes. Observed: 1 variant allele.
Comment: FAT2: BP4